The following is an entry in ClinVar:

ClinVar aggregate classification (germline): Uncertain significance (1 of 4 stars; one submission).

Conditions:
Retinoblastoma (RB1). Also called: RETINOBLASTOMA, SOMATIC. Identifiers: Orphanet 790, MedGen C0035335, MeSH D012175, MONDO:0008380, OMIM 180200, HP:0009919. Disease mechanism: loss of function. Inheritance: Both sporadic and heritable forms are tested..

gnomAD v4.1: 2 of 1,613,498 alleles (0.00012%); highest among the groups gnomAD compares: Non-Finnish European, 0.00017%; no homozygotes.

Submission:

Labcorp Genetics (formerly Invitae), Labcorp
Classification: Uncertain significance for Retinoblastoma. Last evaluated: 2023-12-29. Review status: criteria provided, single submitter. Criteria: Invitae Variant Classification Sherloc (09022015). Collection method: clinical testing. Allele origin: germline.
Comment: This sequence change replaces asparagine, which is neutral and polar, with lysine, which is basic and polar, at codon 406 of the RB1 protein (p.Asn406Lys). This variant is not present in population databases (gnomAD no frequency). This variant has not been reported in the literature in individuals affected with RB1-related conditions. ClinVar contains an entry for this variant (Variation ID: 2078388). An algorithm developed to predict the effect of missense changes on protein structure and function (PolyPhen-2) suggests that this variant is likely to be disruptive. Algorithms developed to predict the effect of sequence changes on RNA splicing suggest that this variant may create or strengthen a splice site. In summary, the available evidence is currently insufficient to determine the role of this variant in disease. Therefore, it has been classified as a Variant of Uncertain Significance.

NM_000321.3(RB1):c.1218C>G (p.Asn406Lys)

Gene: RB1 (RB transcriptional corepressor 1; plus strand). Cytogenetic location: 13q14.2.
Variant type: single nucleotide variant.
Coding change: c.1218C>G on transcript NM_000321.3 (MANE Select); coding-DNA position 1218, C replaced by G.
Protein change: p.Asn406Lys; replaces asparagine 406 with lysine.
Molecular consequence: missense variant.
Genome position (GRCh38, 1-based): chr13:48,376,920, C>G. VCF-style: chr13-48376920-C-G. GRCh37 (hg19) VCF-style: chr13-48951056-C-G.
Other names: c.1218C>G, p.Asn406Lys (NM_001407165.1, NM_001407166.1); short protein forms N406K.
Identifiers: ClinVar variation 2078388 (VCV002078388.4), dbSNP rs1593453983, ClinGen allele CA388161934.